The following is an entry in ClinVar:

NM_006415.4(SPTLC1):c.889-3C>T

Gene: SPTLC1 (serine palmitoyltransferase long chain base subunit 1; minus strand). Cytogenetic location: 9q22.31.
Variant type: single nucleotide variant.
Coding change: c.889-3C>T on transcript NM_006415.4 (MANE Select); 3 bases into the intron before coding-DNA position 889, C replaced by T.
Molecular consequence: intron variant.
Genome position (GRCh38, 1-based): chr9:92,047,711, G>A on the plus strand (C>T on the coding strand, the complement: SPTLC1 is on the minus strand). VCF-style: chr9-92047711-G-A. GRCh37 (hg19) VCF-style: chr9-94809993-G-A.
Other names: c.889-3C>T (NM_001281303.2); c.523-3C>T (NM_001368272.1); c.424-3C>T (NM_001368273.1).
Identifiers: ClinVar variation 1417360 (VCV001417360.6), dbSNP rs1833569456, ClinGen allele CA1126755003.

ClinVar aggregate classification (germline): Uncertain significance (1 of 4 stars; one submission).

Conditions:
Hereditary sensory and autonomic neuropathy type 1 (HSAN1). Also called: HSAN 1; HSN Type I; Hereditary Sensory Neuropathy Type I. Identifiers: Orphanet 36386, MedGen C0020071, MONDO:0018213.

Allele frequency attached by ClinVar (database versions not stated): gnomAD 0.00001.
gnomAD v4.1: 2 of 1,603,138 alleles (0.00012%); highest among the groups gnomAD compares: Non-Finnish European, 0.000085%; no homozygotes.

Submission:

Labcorp Genetics (formerly Invitae), Labcorp
Classification: Uncertain significance for Hereditary sensory and autonomic neuropathy type 1. Last evaluated: 2021-12-21. Review status: criteria provided, single submitter. Criteria: Invitae Variant Classification Sherloc (09022015). Collection method: clinical testing. Allele origin: germline.
Comment: In summary, the available evidence is currently insufficient to determine the role of this variant in disease. Therefore, it has been classified as a Variant of Uncertain Significance. Variants that disrupt the consensus splice site are a relatively common cause of aberrant splicing (PMID: 17576681, 9536098). Algorithms developed to predict the effect of sequence changes on RNA splicing suggest that this variant may create or strengthen a splice site. This variant has not been reported in the literature in individuals affected with SPTLC1-related conditions. This variant is not present in population databases (gnomAD no frequency). This sequence change falls in intron 9 of the SPTLC1 gene. It does not directly change the encoded amino acid sequence of the SPTLC1 protein. It affects a nucleotide within the consensus splice site.

Literature cited by the submitters: PubMed 17576681; PubMed 9536098.